The following is an entry in ClinVar:

ClinVar aggregate classification (germline): Uncertain significance. Review status: criteria provided, multiple submitters, no conflicts (2 of 4 stars). 2 submissions from 2 submitters: Uncertain significance (2). Last evaluated 2024-10-15.

Allele frequency attached by ClinVar (database versions not stated): TOPMed 0.00005; gnomAD exomes 0.00002; ExAC 0.00004; ESP Exome Variant Server 0.00008; gnomAD 0.00009.

Submissions (2):

Labcorp Genetics (formerly Invitae), Labcorp
Classification: Uncertain significance. Last evaluated: 2024-10-15. Review status: criteria provided, single submitter. Criteria: Invitae Variant Classification Sherloc (09022015). Collection method: clinical testing. Allele origin: germline.
Comment: This sequence change replaces arginine, which is basic and polar, with histidine, which is basic and polar, at codon 371 of the BCAT2 protein (p.Arg371His). This variant is present in population databases (rs150116784, gnomAD 0.02%). This variant has not been reported in the literature in individuals affected with BCAT2-related conditions. ClinVar contains an entry for this variant (Variation ID: 2075058). Invitae Evidence Modeling of protein sequence and biophysical properties (such as structural, functional, and spatial information, amino acid conservation, physicochemical variation, residue mobility, and thermodynamic stability) indicates that this missense variant is not expected to disrupt BCAT2 protein function with a negative predictive value of 80%. In summary, the available evidence is currently insufficient to determine the role of this variant in disease. Therefore, it has been classified as a Variant of Uncertain Significance.

Ambry Genetics
Classification: Uncertain significance. Last evaluated: 2024-01-23. Review status: criteria provided, single submitter. Criteria: Ambry Variant Classification Scheme 2023. Collection method: clinical testing. Allele origin: germline.

NM_001190.4(BCAT2):c.1112G>A (p.Arg371His)

Gene: BCAT2 (branched chain amino acid transaminase 2; minus strand). Cytogenetic location: 19q13.33.
Variant type: single nucleotide variant.
Coding change: c.1112G>A on transcript NM_001190.4 (MANE Select); coding-DNA position 1112, G replaced by A.
Protein change: p.Arg371His; replaces arginine 371 with histidine.
Molecular consequence: missense variant.
Genome position (GRCh38, 1-based): chr19:48,796,456, C>T on the plus strand (G>A on the coding strand, the complement: BCAT2 is on the minus strand). VCF-style: chr19-48796456-C-T. GRCh37 (hg19) VCF-style: chr19-49299713-C-T.
Other names: c.836G>A, p.Arg279His (NM_001164773.2); c.992G>A, p.Arg331His (NM_001284325.2); c.1112G>A (NM_001190.3); short protein forms R331H, R371H, R279H.
Identifiers: ClinVar variation 2075058 (VCV002075058.4), dbSNP rs150116784, ClinGen allele CA9558188.